The following is an entry in ClinVar:

ClinVar aggregate classification (germline): Likely benign (1 of 4 stars; one submission).

Conditions:
BBS12-related disorder. Also called: BBS12-related condition.

gnomAD v4.1: 12 of 1,613,794 alleles (0.00074%); highest among the groups gnomAD compares: African/African-American, 0.008%; no homozygotes.

Submission:

PreventionGenetics, part of Exact Sciences
Classification: Likely benign for BBS12-related condition. Last evaluated: 2024-12-05. Review status: criteria provided, single submitter. Criteria: ACMG Guidelines, 2015. Collection method: clinical testing. Allele origin: germline.
Comment: This variant is classified as likely benign based on ACMG/AMP sequence variant interpretation guidelines (Richards et al. 2015 PMID: 25741868, with internal and published modifications).

NM_152618.3(BBS12):c.369T>C (p.Cys123=)

Gene: BBS12 (Bardet-Biedl syndrome 12; plus strand). Cytogenetic location: 4q27.
Variant type: single nucleotide variant.
Coding change: c.369T>C on transcript NM_152618.3 (MANE Select); coding-DNA position 369, T replaced by C.
Protein change: p.Cys123=; no amino-acid change (cysteine 123 retained).
Molecular consequence: synonymous variant.
Genome position (GRCh38, 1-based): chr4:122,742,261, T>C. VCF-style: chr4-122742261-T-C. GRCh37 (hg19) VCF-style: chr4-123663416-T-C.
Other names: c.369T>C, p.Cys123= (NM_001178007.2).
Identifiers: ClinVar variation 4996299 (VCV004996299.1).
Genomic context (GRCh38, chr4:122,742,261, plus strand): 5'-TCATCTTGGTGTCCCCATTTCCATAATAGTATCAGTAATGTCAGAAGGCTTAAACTTTTG[T>C]AGTGAAGAGGTAGTTTCTCTTCATGTACCTGTTCACAATATATTTGACTGTATGGACAGC-3'
Protein context (NP_689831.2, residues 113-133): VSVMSEGLNF[Cys123=]SEEVVSLHVP